The following is an entry in ClinVar:

ClinVar aggregate classification (germline): Pathogenic (1 of 4 stars; one submission).

Conditions:
Aortic valve disease 2 (AOVD2). Identifiers: MedGen C3542024, MONDO:0013902, OMIM 614823.

Submission:

Labcorp Genetics (formerly Invitae), Labcorp
Classification: Pathogenic for Aortic valve disease 2. Last evaluated: 2024-08-12. Review status: criteria provided, single submitter. Criteria: Invitae Variant Classification Sherloc (09022015). Collection method: clinical testing. Allele origin: germline.
Comment: This sequence change creates a premature translational stop signal (p.Lys197*) in the TBX5 gene. It is expected to result in an absent or disrupted protein product. Loss-of-function variants in TBX5 are known to be pathogenic (PMID: 16183809, 16917909). This variant is not present in population databases (gnomAD no frequency). This variant has not been reported in the literature in individuals affected with TBX5-related conditions. For these reasons, this variant has been classified as Pathogenic.

Literature cited by the submitters: PubMed 16183809; PubMed 16917909.

NM_181486.4(TBX5):c.589A>T (p.Lys197Ter)

Gene: TBX5 (T-box transcription factor 5; minus strand). Cytogenetic location: 12q24.21.
Variant type: single nucleotide variant.
Coding change: c.589A>T on transcript NM_181486.4 (MANE Select); coding-DNA position 589, A replaced by T.
Protein change: p.Lys197Ter; replaces lysine 197 with a stop codon.
Molecular consequence: nonsense.
Genome position (GRCh38, 1-based): chr12:114,394,815, T>A on the plus strand (A>T on the coding strand, the complement: TBX5 is on the minus strand). VCF-style: chr12-114394815-T-A. GRCh37 (hg19) VCF-style: chr12-114832620-T-A.
Other names: c.439A>T, p.Lys147Ter (NM_080717.4); c.589A>T, p.Lys197Ter (NM_000192.3); short protein forms K197*, K147*.
Identifiers: ClinVar variation 3662190 (VCV003662190.2).
Genomic context (GRCh38, chr12:114,394,815, plus strand): 5'-AGGAAGTCACTGCTATAAACGCAGTCTCAGGAAAGACGTGAGTGCAGAACGCTGTATTTT[T>A]TGAGCCAAATCCATTATTTTCATCCGCTTTCACGATGTGTAATCTAGGCTGGTATTTGTG-3'